The following is an entry in ClinVar:

NM_005188.4(CBL):c.1697C>G (p.Pro566Arg)

Gene: CBL (Cbl proto-oncogene; plus strand). Cytogenetic location: 11q23.3.
Variant type: single nucleotide variant.
Coding change: c.1697C>G on transcript NM_005188.4 (MANE Select); coding-DNA position 1697, C replaced by G.
Protein change: p.Pro566Arg; replaces proline 566 with arginine.
Molecular consequence: missense variant.
Genome position (GRCh38, 1-based): chr11:119,285,322, C>G. VCF-style: chr11-119285322-C-G. GRCh37 (hg19) VCF-style: chr11-119156032-C-G.
Other names: short protein forms P566R.
Identifiers: ClinVar variation 1195146 (VCV001195146.11), dbSNP rs1428398685, ClinGen allele CA382919706.

ClinVar aggregate classification (germline): Uncertain significance. Review status: criteria provided, multiple submitters, no conflicts (2 of 4 stars). 3 submissions from 3 submitters: Uncertain significance (3). Last evaluated 2025-09-17.

Conditions:
RASopathy. Also called: rasopathies; Noonan spectrum disorder. Identifiers: Orphanet 536391, MedGen C5555857, MONDO:0021060.
Cardiovascular phenotype. Identifiers: MedGen CN230736.

Allele frequency attached by ClinVar (database versions not stated): gnomAD exomes below 0.00001; TOPMed 0.00001.
gnomAD v4.1: 1 of 1,614,184 alleles (0.000062%); highest among the groups gnomAD compares: Admixed American, 0.0017%; no homozygotes.

Submissions (3):

Labcorp Genetics (formerly Invitae), Labcorp
Classification: Uncertain significance for RASopathy. Last evaluated: 2025-09-17. Review status: criteria provided, single submitter. Criteria: Invitae Variant Classification Sherloc (09022015). Collection method: clinical testing. Allele origin: germline.
Comment: This sequence change replaces proline, which is neutral and non-polar, with arginine, which is basic and polar, at codon 566 of the CBL protein (p.Pro566Arg). This variant is present in population databases (no rsID available, gnomAD 0.003%). This variant has not been reported in the literature in individuals affected with CBL-related conditions. ClinVar contains an entry for this variant (Variation ID: 1195146). Invitae Evidence Modeling of protein sequence and biophysical properties (such as structural, functional, and spatial information, amino acid conservation, physicochemical variation, residue mobility, and thermodynamic stability) indicates that this missense variant is not expected to disrupt CBL protein function with a negative predictive value of 95%. In summary, the available evidence is currently insufficient to determine the role of this variant in disease. Therefore, it has been classified as a Variant of Uncertain Significance.

Ambry Genetics
Classification: Uncertain significance for Cardiovascular phenotype. Last evaluated: 2024-11-28. Review status: criteria provided, single submitter. Criteria: Ambry Variant Classification Scheme 2023. Collection method: clinical testing. Allele origin: germline.
Comment: The p.P566R variant (also known as c.1697C>G), located in coding exon 11 of the CBL gene, results from a C to G substitution at nucleotide position 1697. The proline at codon 566 is replaced by arginine, an amino acid with dissimilar properties. This amino acid position is conserved. In addition, this alteration is predicted to be deleterious by in silico analysis. Since supporting evidence is limited at this time, the clinical significance of this alteration remains unclear.

GeneDx
Classification: Uncertain significance. Last evaluated: 2020-09-25. Review status: criteria provided, single submitter. Criteria: GeneDx Variant Classification Process June 2021. Collection method: clinical testing. Allele origin: germline. Affected: yes.
Comment: In silico analysis, which includes protein predictors and evolutionary conservation, supports that this variant does not alter protein structure/function; Has not been previously published as pathogenic or benign to our knowledge